The following is an entry in ClinVar:

NM_001005242.3(PKP2):c.2019G>A (p.Pro673=)

Gene: PKP2 (plakophilin 2; minus strand). Cytogenetic location: 12p11.21.
Variant type: single nucleotide variant.
Coding change: c.2019G>A on transcript NM_001005242.3 (MANE Select); coding-DNA position 2019, G replaced by A.
Protein change: p.Pro673=; no amino-acid change (proline 673 retained).
Molecular consequence: synonymous variant.
Genome position (GRCh38, 1-based): chr12:32,802,551, C>T on the plus strand (G>A on the coding strand, the complement: PKP2 is on the minus strand). VCF-style: chr12-32802551-C-T. GRCh37 (hg19) VCF-style: chr12-32955485-C-T.
Other names: c.2151G>A, p.Pro717= (NM_004572.4).
Identifiers: ClinVar variation 414018 (VCV000414018.61), dbSNP rs147995773, ClinGen allele CA033187.

ClinVar aggregate classification (germline): Conflicting classifications of pathogenicity. Review status: criteria provided, conflicting classifications (1 of 4 stars). 12 submissions from 12 submitters: Uncertain significance (1); Benign (1); Likely benign (8). 2 of the submissions do not count toward it. Last evaluated 2026-02-11.

Conditions:
PKP2-related disorder. Also called: PKP2-related condition.
Cardiovascular phenotype. Identifiers: MedGen CN230736.
Arrhythmogenic right ventricular cardiomyopathy (ARVD). Also called: Arrhythmogenic cardiomyopathy; Arrhythmogenic Right Ventricular Cardiomyopathy (ARVC); Cardiomyopathy, ARVC; Arrhythmogenic right ventricular dysplasia. Identifiers: Orphanet 247, MedGen C0349788, MeSH D019571, MONDO:0016587. Disease mechanism: loss of function. Inheritance: Various modes of inheritance.
Cardiomyopathy (CMYO). Also called: Cardiomyopathies. Identifiers: Orphanet 167848, MedGen C0878544, MONDO:0004994, HP:0001638. Inheritance: Various modes of inheritance.
Arrhythmogenic right ventricular dysplasia 9 (ARVD9). Also called: ARRHYTHMOGENIC RIGHT VENTRICULAR DYSPLASIA, FAMILIAL, 9; Arrhythmogenic Right Ventricular Dysplasia/Cardiomyopathy 9. Identifiers: MedGen C1836906, MONDO:0012180, OMIM 609040.

Allele frequency attached by ClinVar (database versions not stated): TOPMed 0.00002; ExAC 0.00004; gnomAD 0.00004; gnomAD exomes 0.00004 and 0.00007; ESP Exome Variant Server 0.00008.
gnomAD v4.1: 112 of 1,613,786 alleles (0.0069%); highest among the groups gnomAD compares: Middle Eastern, 0.016%; no homozygotes.

Submissions (12):

PreventionGenetics, part of Exact Sciences
Classification: Likely benign for PKP2-related condition. Last evaluated: 2026-02-11. Review status: criteria provided, single submitter. Criteria: ACMG Guidelines, 2015. Collection method: clinical testing. Allele origin: germline.
Comment: This variant is classified as likely benign based on ACMG/AMP sequence variant interpretation guidelines (Richards et al. 2015 PMID: 25741868, with internal and published modifications).

Labcorp Genetics (formerly Invitae), Labcorp
Classification: Likely benign for Arrhythmogenic right ventricular dysplasia 9. Last evaluated: 2025-12-19. Review status: criteria provided, single submitter. Criteria: Invitae Variant Classification Sherloc (09022015). Collection method: clinical testing. Allele origin: germline.

Blueprint Genetics
Classification: Likely benign. Last evaluated: 2024-07-17. Review status: criteria provided, single submitter. Criteria: ACMG Guidelines, 2015. Collection method: clinical testing. Allele origin: germline.

All of Us Research Program, National Institutes of Health
Classification: Likely benign for Arrhythmogenic right ventricular cardiomyopathy. Last evaluated: 2023-12-13. Review status: criteria provided, single submitter. Criteria: ACMG Guidelines, 2015. Collection method: clinical testing. Allele origin: germline. Inheritance: Autosomal dominant inheritance. Observed: 15 variant alleles, 15 heterozygotes.
Comment: This study involves interpretation of variants in research participants for the purpose of population health screening. Participant phenotype was not available at the time of variant classification. Additional details can be found in publication PMID: 35346344, PMCID: PMC8962531

CeGaT Center for Human Genetics Tuebingen
Classification: Likely benign. Last evaluated: 2022-01-01. Review status: criteria provided, single submitter. Criteria: CeGaT Center For Human Genetics Tuebingen Variant Classification Criteria Version 2. Collection method: clinical testing. Allele origin: germline. Affected: yes. Observed: 1 variant allele.

Ambry Genetics
Classification: Likely benign for Cardiovascular phenotype. Last evaluated: 2021-04-05. Review status: criteria provided, single submitter. Criteria: Ambry Variant Classification Scheme 2023. Collection method: clinical testing. Allele origin: germline.

Women's Health and Genetics/Laboratory Corporation of America, LabCorp
Classification: Likely benign. Last evaluated: 2021-03-25. Review status: criteria provided, single submitter. Criteria: LabCorp Variant Classification Summary - May 2015. Collection method: clinical testing. Allele origin: germline.

Color Diagnostics, LLC DBA Color Health
Classification: Likely benign for Cardiomyopathy. Last evaluated: 2018-12-01. Review status: criteria provided, single submitter. Criteria: ACMG Guidelines, 2015. Collection method: clinical testing. Allele origin: germline.

Illumina Laboratory Services, Illumina
Classification: Uncertain significance for Arrhythmogenic right ventricular dysplasia 9. Last evaluated: 2018-01-12. Review status: criteria provided, single submitter. Criteria: ICSL Variant Classification Criteria 13 December 2019. Collection method: clinical testing. Allele origin: germline.

GeneDx
Classification: Benign. Last evaluated: 2015-03-03. Review status: criteria provided, single submitter. Criteria: GeneDx Variant Classification Process June 2021. Collection method: clinical testing. Allele origin: germline. Affected: yes.

Clinical Genetics, Academic Medical Center
Classification: Likely benign. Review status: no assertion criteria provided. Collection method: clinical testing. Allele origin: germline. Affected: yes. Study: VKGL Data-share Consensus. Not counted in ClinVar's aggregate classification.

Genome Diagnostics Laboratory, University Medical Center Utrecht
Classification: Likely benign. Review status: no assertion criteria provided. Collection method: clinical testing. Allele origin: germline. Affected: yes. Study: VKGL Data-share Consensus. Not counted in ClinVar's aggregate classification.